The following is an entry in ClinVar:

ClinVar aggregate classification (germline): Uncertain significance (1 of 4 stars; one submission).

Conditions:
CEDNIK syndrome. Also called: Cerebral dysgenesis, neuropathy, ichthyosis, and palmoplantar keratoderma; CEREBRAL DYSGENESIS, NEUROPATHY, ICHTHYOSIS, AND PALMOPLANTAR KERATODERMA SYNDROME. Identifiers: Orphanet 66631, MedGen C1836033, MONDO:0012290, OMIM 609528.

Allele frequency attached by ClinVar (database versions not stated): gnomAD exomes below 0.00001.
gnomAD v4.1: 1 of 1,558,398 alleles (0.000064%); highest among the groups gnomAD compares: Non-Finnish European, 0.000089%; no homozygotes.

Submission:

Illumina Laboratory Services, Illumina
Classification: Uncertain significance for CEDNIK syndrome. Last evaluated: 2017-04-28. Review status: criteria provided, single submitter. Criteria: ICSL Variant Classification Criteria 13 December 2019. Collection method: clinical testing. Allele origin: germline.
Comment: This variant was observed as part of a predisposition screen in an ostensibly healthy population. A literature search was performed for the gene, cDNA change, and amino acid change (where applicable). Publications were found based on this search. However, the evidence from the literature, in combination with allele frequency data from public databases where available, was not sufficient to rule this variant in or out of causing disease. Therefore, this variant is classified as a variant of unknown significance.

Literature cited by the submitters: PubMed 25473036.

NM_004782.4(SNAP29):c.520+14T>C

Gene: SNAP29 (synaptosome associated protein 29; plus strand). Cytogenetic location: 22q11.21.
Variant type: single nucleotide variant.
Coding change: c.520+14T>C on transcript NM_004782.4 (MANE Select); 14 bases into the intron after coding-DNA position 520, T replaced by C.
Molecular consequence: intron variant.
Genome position (GRCh38, 1-based): chr22:20,881,148, T>C. VCF-style: chr22-20881148-T-C. GRCh37 (hg19) VCF-style: chr22-21235436-T-C.
Identifiers: ClinVar variation 900134 (VCV000900134.4), dbSNP rs1928882519, ClinGen allele CA1139666967.